The following is an entry in ClinVar:

ClinVar aggregate classification (germline): Benign/Likely benign. Review status: criteria provided, multiple submitters, no conflicts (2 of 4 stars). 13 submissions from 13 submitters: Benign (9); Likely benign (1). 3 of the submissions do not count toward it. Last evaluated 2026-10-01.

Conditions:
Cerebral arteriopathy, autosomal dominant, with subcortical infarcts and leukoencephalopathy, type 1 (CADASIL1). Also called: CASIL; Cerebral arteriopathy with subcortical infarcts and leukoencephalopathy 1; CADASIL 1; DEMENTIA, HEREDITARY MULTIINFARCT TYPE. Identifiers: Orphanet 136, MedGen C4551768, MONDO:0000914, OMIM 125310.

Allele frequency attached by ClinVar (database versions not stated): 1000 Genomes Project 0.00379; 1000 Genomes Project 30x 0.00390; TOPMed 0.00726; ESP Exome Variant Server 0.00838.
gnomAD v4.1: 14,161 of 1,614,070 alleles (0.88%); highest among the groups gnomAD compares: Middle Eastern, 1.3%; 74 homozygotes.

Submissions (21):

CeGaT Center for Human Genetics Tuebingen
Classification: Benign. Last evaluated: 2026-10-01. Review status: criteria provided, single submitter. Criteria: CeGaT Center For Human Genetics Tuebingen Variant Classification Criteria Version 2. Collection method: clinical testing. Allele origin: germline. Affected: yes. Observed: 65 variant alleles.
Comment: NOTCH3: PP3, BS1, BS2

Labcorp Genetics (formerly Invitae), Labcorp
Classification: Benign. Last evaluated: 2026-01-12. Review status: criteria provided, single submitter. Criteria: Invitae Variant Classification Sherloc (09022015). Collection method: clinical testing. Allele origin: germline.

Athena Diagnostics
Classification: Benign. Last evaluated: 2025-08-15. Review status: criteria provided, single submitter. Criteria: Athena Diagnostics Criteria. Collection method: clinical testing. Allele origin: unknown.
Comment: The frequency of this variant in the general population is higher than would generally be expected for pathogenic variants in this gene.

ARUP Laboratories, Molecular Genetics and Genomics, ARUP Laboratories
Classification: Benign. Last evaluated: 2025-06-20. Review status: criteria provided, single submitter. Criteria: ARUP Molecular Germline Variant Investigation Process 2024. Collection method: clinical testing. Allele origin: germline.

Blueprint Genetics
Classification: Likely benign. Last evaluated: 2024-11-27. Review status: criteria provided, single submitter. Criteria: ACMG Guidelines, 2015. Collection method: clinical testing. Allele origin: germline.

Mayo Clinic Laboratories, Mayo Clinic
Classification: Benign. Last evaluated: 2024-01-15. Review status: criteria provided, single submitter. Criteria: ACMG Guidelines, 2015. Collection method: clinical testing. Allele origin: germline. Observed: 63 variant alleles.
Comment: BS1, BS2

GeneDx
Classification: Benign. Last evaluated: 2021-05-25. Review status: criteria provided, single submitter. Criteria: GeneDx Variant Classification Process June 2021. Collection method: clinical testing. Allele origin: germline. Affected: yes.

Illumina Laboratory Services, Illumina
Classification: Benign for Cerebral arteriopathy, autosomal dominant, with subcortical infarcts and leukoencephalopathy, type 1. Last evaluated: 2018-01-13. Review status: criteria provided, single submitter. Criteria: ICSL Variant Classification Criteria 13 December 2019. Collection method: clinical testing. Allele origin: germline.
Comment: This variant was observed in the ICSL laboratory as part of a predisposition screen in an ostensibly healthy population. It had not been previously curated by ICSL or reported in the Human Gene Mutation Database (HGMD: prior to June 1st, 2018), and was therefore a candidate for classification through an automated scoring system. Utilizing variant allele frequency, disease prevalence and penetrance estimates, and inheritance mode, an automated score was calculated to assess if this variant is too frequent to cause the disease. Based on the score and internal cut-off values, a variant classified as benign is not then subjected to further curation. The score for this variant resulted in a classification of benign for this disease.

Breakthrough Genomics
Classification: Benign. Review status: criteria provided, single submitter. Criteria: ACMG Guidelines, 2015. Collection method: not provided. Allele origin: germline. Inheritance: Autosomal dominant inheritance. Affected: yes.

PreventionGenetics, part of Exact Sciences
Classification: Benign. Review status: criteria provided, single submitter. Criteria: ACMG Guidelines, 2015. Collection method: clinical testing. Allele origin: germline.

Clinical Genetics DNA and cytogenetics Diagnostics Lab, Erasmus MC, Erasmus Medical Center
Classification: Benign. Review status: no assertion criteria provided. Collection method: clinical testing. Allele origin: germline. Affected: yes. Study: VKGL Data-share Consensus. Not counted in ClinVar's aggregate classification.

Dr. Peter K. Rogan Lab, Western University
No classification provided (evidence only). Condition: Clear cell carcinoma of kidney. Review status: no classification provided. Collection method: in vitro. Allele origin: not applicable. Functional consequence: retained intron. Not counted in ClinVar's aggregate classification.

Dr. Peter K. Rogan Lab, Western University
No classification provided (evidence only). Condition: Lung cancer. Review status: no classification provided. Collection method: in vitro. Allele origin: not applicable. Functional consequence: retained intron. Not counted in ClinVar's aggregate classification.

Dr. Peter K. Rogan Lab, Western University
No classification provided (evidence only). Condition: Melanoma. Review status: no classification provided. Collection method: in vitro. Allele origin: not applicable. Functional consequence: retained intron. Not counted in ClinVar's aggregate classification.

Dr. Peter K. Rogan Lab, Western University
No classification provided (evidence only). Condition: Colon adenocarcinoma. Review status: no classification provided. Collection method: in vitro. Allele origin: not applicable. Functional consequence: retained intron. Not counted in ClinVar's aggregate classification.

Dr. Peter K. Rogan Lab, Western University
No classification provided (evidence only). Condition: Thyroid cancer, nonmedullary, 1. Review status: no classification provided. Collection method: in vitro. Allele origin: not applicable. Functional consequence: retained intron. Not counted in ClinVar's aggregate classification.

Dr. Peter K. Rogan Lab, Western University
No classification provided (evidence only). Condition: Cervical cancer. Review status: no classification provided. Collection method: in vitro. Allele origin: not applicable. Functional consequence: retained intron. Not counted in ClinVar's aggregate classification.

Dr. Peter K. Rogan Lab, Western University
No classification provided (evidence only). Condition: Ovarian serous cystadenocarcinoma. Review status: no classification provided. Collection method: in vitro. Allele origin: not applicable. Functional consequence: retained intron. Not counted in ClinVar's aggregate classification.

Dr. Peter K. Rogan Lab, Western University
No classification provided (evidence only). Condition: Uterine carcinosarcoma. Review status: no classification provided. Collection method: in vitro. Allele origin: not applicable. Functional consequence: retained intron. Not counted in ClinVar's aggregate classification.

Genome Diagnostics Laboratory, Amsterdam University Medical Center
Classification: Benign. Review status: no assertion criteria provided. Collection method: clinical testing. Allele origin: germline. Affected: yes. Study: VKGL Data-share Consensus. Not counted in ClinVar's aggregate classification.

Laboratory of Diagnostic Genome Analysis, Leiden University Medical Center (LUMC)
Classification: Benign. Review status: no assertion criteria provided. Collection method: clinical testing. Allele origin: germline. Affected: yes. Study: VKGL Data-share Consensus. Not counted in ClinVar's aggregate classification.

Literature cited by the submitters: PubMed 24086431 (cited by Athena Diagnostics and Mayo Clinic Laboratories, Mayo Clinic); PubMed 22153900 (cited by Athena Diagnostics); PubMed 21616505 (cited by Mayo Clinic Laboratories, Mayo Clinic); PubMed 25623805 (cited by Mayo Clinic Laboratories, Mayo Clinic).

NM_000435.3(NOTCH3):c.1725G>A (p.Thr575=)

Gene: NOTCH3 (notch receptor 3; minus strand). Cytogenetic location: 19p13.12.
Variant type: single nucleotide variant.
Coding change: c.1725G>A on transcript NM_000435.3 (MANE Select); coding-DNA position 1725, G replaced by A.
Protein change: p.Thr575=; no amino-acid change (threonine 575 retained).
Molecular consequence: synonymous variant.
Genome position (GRCh38, 1-based): chr19:15,187,220, C>T on the plus strand (G>A on the coding strand, the complement: NOTCH3 is on the minus strand). VCF-style: chr19-15187220-C-T. GRCh37 (hg19) VCF-style: chr19-15298031-C-T.
Other names: p.Thr575=.
Identifiers: ClinVar variation 256122 (VCV000256122.64), dbSNP rs79926127, ClinGen allele CA9263568.
Genomic context (GRCh38, chr19:15,187,220, plus strand): 5'-GCCGCCATGGCGGCAGGGCTGGCTGCGGCATTCGTCCACCTGGCTCTCGCAGCGTGTGCC[C>T]GTGTAGCCAGGAGCACAGGCACATGAGAAGCTGGCGATGCCATCCACGCAGCGACCATGG-3'
Protein context (NP_000426.2, residues 565-585): SFSCACAPGY[Thr575=]GTRCESQVDE